The following is an entry in ClinVar:

NM_000069.3(CACNA1S):c.4247G>C (p.Arg1416Thr)

Gene: CACNA1S (calcium voltage-gated channel subunit alpha1 S; minus strand). Cytogenetic location: 1q32.1.
Variant type: single nucleotide variant.
Coding change: c.4247G>C on transcript NM_000069.3 (MANE Select); coding-DNA position 4247, G replaced by C.
Protein change: p.Arg1416Thr; replaces arginine 1416 with threonine.
Molecular consequence: missense variant.
Genome position (GRCh38, 1-based): chr1:201,049,094, C>G on the plus strand (G>C on the coding strand, the complement: CACNA1S is on the minus strand). VCF-style: chr1-201049094-C-G. GRCh37 (hg19) VCF-style: chr1-201018222-C-G.
Other names: short protein forms R1416T.
Identifiers: ClinVar variation 4082978 (VCV004082978.1).

ClinVar aggregate classification (germline): Uncertain significance (1 of 4 stars; one submission).

gnomAD v4.1: 5 of 1,610,552 alleles (0.00031%); highest among the groups gnomAD compares: Non-Finnish European, 0.00042%; no homozygotes.

Submission:

GeneDx
Classification: Uncertain significance. Last evaluated: 2025-03-13. Review status: criteria provided, single submitter. Criteria: GeneDx Variant Classification Process June 2021. Collection method: clinical testing. Allele origin: germline. Affected: yes.
Comment: Not observed at significant frequency in large population cohorts (gnomAD); In silico analysis supports that this missense variant has a deleterious effect on protein structure/function; Has not been previously published as pathogenic or benign to our knowledge